The following is an entry in ClinVar:

NM_198576.4(AGRN):c.172G>A (p.Asp58Asn)

Gene: AGRN (agrin; plus strand). Cytogenetic location: 1p36.33.
Variant type: single nucleotide variant.
Coding change: c.172G>A on transcript NM_198576.4 (MANE Select); coding-DNA position 172, G replaced by A.
Protein change: p.Asp58Asn; replaces aspartic acid 58 with asparagine.
Molecular consequence: missense variant.
Genome position (GRCh38, 1-based): chr1:1,020,344, G>A. VCF-style: chr1-1020344-G-A. GRCh37 (hg19) VCF-style: chr1-955724-G-A.
Other names: c.172G>A, p.Asp58Asn (NM_001305275.2); short protein forms D58N.
Identifiers: ClinVar variation 571135 (VCV000571135.9), dbSNP rs750933418, ClinGen allele CA507766.
Genomic context (GRCh38, chr1:1,020,344, plus strand): 5'-CGGCGCGAGGAGGAGGCGAACGTGGTGCTCACCGGGACGGTGGAGGAGATCCTCAACGTG[G>A]ACCCGGTGCAGCACACGTACTCCTGCAAGGTGCGCCCACCCGGACCCCGGCCTCCCCTCG-3'
Protein context (NP_940978.2, residues 48-68): TGTVEEILNV[Asp58Asn]PVQHTYSCKV

ClinVar aggregate classification (germline): Uncertain significance. Review status: criteria provided, multiple submitters, no conflicts (2 of 4 stars). 4 submissions from 4 submitters: Uncertain significance (2). 2 of the submissions do not count toward it. Last evaluated 2022-10-13.

Conditions:
Congenital myasthenic syndrome 8. Also called: Myasthenic syndrome, congenital, 8, with pre- and postsynaptic defects; MYASTHENIC SYNDROME, CONGENITAL, DUE TO AGRIN DEFICIENCY. Identifiers: Orphanet 590, MedGen C3808739, MONDO:0014052, OMIM 615120.

Allele frequency attached by ClinVar (database versions not stated): 1000 Genomes Project 30x 0.00016; gnomAD exomes 0.00023; ExAC 0.00025; gnomAD 0.00027 and 0.00029; TOPMed 0.00027.
gnomAD v4.1: 552 of 1,494,676 alleles (0.037%); highest among the groups gnomAD compares: Non-Finnish European, 0.046%; no homozygotes.

Submissions (4):

Labcorp Genetics (formerly Invitae), Labcorp
Classification: Uncertain significance for Congenital myasthenic syndrome 8. Last evaluated: 2022-10-13. Review status: criteria provided, single submitter. Criteria: Invitae Variant Classification Sherloc (09022015). Collection method: clinical testing. Allele origin: germline.
Comment: This sequence change replaces aspartic acid, which is acidic and polar, with asparagine, which is neutral and polar, at codon 58 of the AGRN protein (p.Asp58Asn). This variant is present in population databases (rs750933418, gnomAD 0.05%). This variant has not been reported in the literature in individuals affected with AGRN-related conditions. ClinVar contains an entry for this variant (Variation ID: 571135). Algorithms developed to predict the effect of missense changes on protein structure and function are either unavailable or do not agree on the potential impact of this missense change (SIFT: "Deleterious"; PolyPhen-2: "Not Available"; Align-GVGD: "Class C0"). In summary, the available evidence is currently insufficient to determine the role of this variant in disease. Therefore, it has been classified as a Variant of Uncertain Significance.

Baylor Genetics
Classification: Uncertain significance for Congenital myasthenic syndrome 8. Last evaluated: 2020-08-19. Review status: criteria provided, single submitter. Criteria: ACMG Guidelines, 2015. Collection method: clinical testing. Allele origin: unknown. Affected: yes.
Comment: This variant was determined to be of uncertain significance according to ACMG Guidelines, 2015 [PMID:25741868].

Clinical Genetics DNA and cytogenetics Diagnostics Lab, Erasmus MC, Erasmus Medical Center
Classification: Uncertain significance. Review status: no assertion criteria provided. Collection method: clinical testing. Allele origin: germline. Affected: yes. Study: VKGL Data-share Consensus. Not counted in ClinVar's aggregate classification.

Laboratory of Diagnostic Genome Analysis, Leiden University Medical Center (LUMC)
Classification: Uncertain significance. Review status: no assertion criteria provided. Collection method: clinical testing. Allele origin: germline. Affected: yes. Study: VKGL Data-share Consensus. Not counted in ClinVar's aggregate classification.